The following is an entry in ClinVar:

NM_001378183.1(PIEZO2):c.3899C>T (p.Pro1300Leu)

Gene: PIEZO2 (piezo type mechanosensitive ion channel component 2; minus strand). Cytogenetic location: 18p11.22.
Variant type: single nucleotide variant.
Coding change: c.3899C>T on transcript NM_001378183.1 (MANE Select); coding-DNA position 3899, C replaced by T.
Protein change: p.Pro1300Leu; replaces proline 1300 with leucine.
Molecular consequence: missense variant.
Genome position (GRCh38, 1-based): chr18:10,757,993, G>A on the plus strand (C>T on the coding strand, the complement: PIEZO2 is on the minus strand). VCF-style: chr18-10757993-G-A. GRCh37 (hg19) VCF-style: chr18-10757991-G-A.
Other names: c.3899C>T, p.Pro1300Leu (NM_001410871.1); c.3824C>T, p.Pro1275Leu (NM_022068.4); short protein forms P1300L, P1275L.
Identifiers: ClinVar variation 4763945 (VCV004763945.1).

ClinVar aggregate classification (germline): Uncertain significance (1 of 4 stars; one submission).

gnomAD v4.1: 1 of 1,536,804 alleles (0.000065%); highest among the groups gnomAD compares: Non-Finnish European, 0.000087%; no homozygotes.

Submission:

Labcorp Genetics (formerly Invitae), Labcorp
Classification: Uncertain significance. Last evaluated: 2025-04-22. Review status: criteria provided, single submitter. Criteria: Invitae Variant Classification Sherloc (09022015). Collection method: clinical testing. Allele origin: germline.
Comment: This sequence change replaces proline, which is neutral and non-polar, with leucine, which is neutral and non-polar, at codon 1275 of the PIEZO2 protein (p.Pro1275Leu). This variant is not present in population databases (gnomAD no frequency). This variant has not been reported in the literature in individuals affected with PIEZO2-related conditions. Invitae Evidence Modeling of protein sequence and biophysical properties (such as structural, functional, and spatial information, amino acid conservation, physicochemical variation, residue mobility, and thermodynamic stability) indicates that this missense variant is expected to disrupt PIEZO2 protein function with a positive predictive value of 80%. In summary, the available evidence is currently insufficient to determine the role of this variant in disease. Therefore, it has been classified as a Variant of Uncertain Significance.